The following is an entry in ClinVar:

ClinVar aggregate classification (germline): Benign. Review status: criteria provided, multiple submitters, no conflicts (2 of 4 stars). 3 submissions from 3 submitters: Benign (3). Last evaluated 2024-07-15.

Allele frequency attached by ClinVar (database versions not stated): gnomAD 0.13241 and 0.13252; ExAC 0.15283; gnomAD exomes 0.15548 and 0.15996; ESP Exome Variant Server 0.13280; 1000 Genomes Project 0.11542; TOPMed 0.13011; 1000 Genomes Project 30x 0.10915.
gnomAD v4.1: 239,905 of 1,528,236 alleles (16%); highest among the groups gnomAD compares: East Asian, 20%; 20,027 homozygotes.

Submissions (3):

Unidad de Genómica Garrahan, Hospital de Pediatría Garrahan
Classification: Benign. Last evaluated: 2024-07-15. Review status: criteria provided, single submitter. Criteria: ACMG Guidelines, 2015. Collection method: clinical testing. Allele origin: germline. Affected: no. Observed: 20 variant alleles.
Comment: This variant is classified as Benign based on local population frequency. This variant was detected in 22% of patients studied in a panel designed for Epileptic and Developmental Encephalopathy and Progressive Myoclonus Epilepsy. Number of patients: 20. Only high quality variants are reported.

GeneDx
Classification: Benign. Last evaluated: 2018-06-14. Review status: criteria provided, single submitter. Criteria: GeneDx Variant Classification (06012015). Collection method: clinical testing. Allele origin: germline. Affected: yes.
Comment: This variant is considered likely benign or benign based on one or more of the following criteria: it is a conservative change, it occurs at a poorly conserved position in the protein, it is predicted to be benign by multiple in silico algorithms, and/or has population frequency not consistent with disease.

Breakthrough Genomics
Classification: Benign. Review status: criteria provided, single submitter. Criteria: ACMG Guidelines, 2015. Collection method: not provided. Allele origin: germline. Inheritance: Autosomal recessive inheritance. Affected: yes.

NM_016373.4(WWOX):c.516+50G>A

Gene: WWOX (WW domain containing oxidoreductase; plus strand). Cytogenetic location: 16q23.1.
Variant type: single nucleotide variant.
Coding change: c.516+50G>A on transcript NM_016373.4 (MANE Select); 50 bases into the intron after coding-DNA position 516, G replaced by A.
Molecular consequence: intron variant.
Genome position (GRCh38, 1-based): chr16:78,164,339, G>A. VCF-style: chr16-78164339-G-A. GRCh37 (hg19) VCF-style: chr16-78198236-G-A.
Other names: c.177+50G>A (NM_001291997.2); c.516+50G>A (NM_130791.5).
Identifiers: ClinVar variation 670334 (VCV000670334.4), dbSNP rs2303190, ClinGen allele CA8183256.